The following is an entry in ClinVar:

NM_032188.3(KAT8):c.925C>T (p.Pro309Ser)

Gene: KAT8 (lysine acetyltransferase 8; plus strand). Cytogenetic location: 16p11.2.
Variant type: single nucleotide variant.
Coding change: c.925C>T on transcript NM_032188.3 (MANE Select); coding-DNA position 925, C replaced by T.
Protein change: p.Pro309Ser; replaces proline 309 with serine.
Molecular consequence: missense variant.
Genome position (GRCh38, 1-based): chr16:31,130,279, C>T. VCF-style: chr16-31130279-C-T. GRCh37 (hg19) VCF-style: chr16-31141600-C-T.
Other names: c.925C>T, p.Pro309Ser (NM_182958.4); short protein forms P309S.
Identifiers: ClinVar variation 1707903 (VCV001707903.3), dbSNP rs2544177927, ClinGen allele CA395677163.
Genomic context (GRCh38, chr16:31,130,279, plus strand): 5'-GAGTGGGGCAGAGCCTCCCCAGCGGCCCTGAGCACCTGCCTCCTGCAGGAGAAGGAGTCC[C>T]CGGATGGAAACAATGTGGCCTGCATCCTGACCTTGCCCCCCTACCAACGCCGCGGCTACG-3'
Protein context (NP_115564.2, residues 299-319): VGYFSKEKES[Pro309Ser]DGNNVACILT

ClinVar aggregate classification (germline): Uncertain significance. Review status: criteria provided, multiple submitters, no conflicts (2 of 4 stars). 2 submissions from 2 submitters: Uncertain significance (2). Last evaluated 2024-12-19.

Conditions:
KAT8-related disorder. Also called: KAT8-related condition.

Allele frequency attached by ClinVar (database versions not stated): gnomAD exomes below 0.00001.

Submissions (2):

PreventionGenetics, part of Exact Sciences
Classification: Uncertain significance for KAT8-related condition. Last evaluated: 2024-12-19. Review status: criteria provided, single submitter. Criteria: ACMG Guidelines, 2015. Collection method: clinical testing. Allele origin: germline.
Comment: The KAT8 c.925C>T variant is predicted to result in the amino acid substitution p.Pro309Ser. To our knowledge, this variant has not been reported in the literature or in a large population database (gnomAD), indicating this variant is rare. At this time, the clinical significance of this variant is uncertain due to the absence of conclusive functional and genetic evidence.

GeneDx
Classification: Uncertain significance. Last evaluated: 2022-04-03. Review status: criteria provided, single submitter. Criteria: GeneDx Variant Classification Process June 2021. Collection method: clinical testing. Allele origin: germline. Affected: yes.
Comment: Not observed at significant frequency in large population cohorts (gnomAD); In silico analysis supports that this missense variant has a deleterious effect on protein structure/function; Has not been previously published as pathogenic or benign to our knowledge